The following is an entry in ClinVar:

NM_001382391.1(CSPP1):c.873A>C (p.Arg291Ser)

Gene: CSPP1 (centrosome and spindle pole associated protein 1; plus strand). Cytogenetic location: 8q13.1.
Variant type: single nucleotide variant.
Coding change: c.873A>C on transcript NM_001382391.1 (MANE Select); coding-DNA position 873, A replaced by C.
Protein change: p.Arg291Ser; replaces arginine 291 with serine.
Molecular consequence: missense variant.
Genome position (GRCh38, 1-based): chr8:67,095,682, A>C. VCF-style: chr8-67095682-A-C. GRCh37 (hg19) VCF-style: chr8-68007917-A-C.
Other names: c.18A>C, p.Arg6Ser (NM_001291339.2); c.792A>C, p.Arg264Ser (NM_001363131.2, NM_001363133.2); c.873A>C, p.Arg291Ser (NM_001363132.2); c.981A>C, p.Arg327Ser (NM_001364869.1); c.900A>C, p.Arg300Ser (NM_001364870.1, NM_024790.7); short protein forms R327S, R291S, R6S, R300S, R264S.
Identifiers: ClinVar variation 1923453 (VCV001923453.3), dbSNP rs776541152, ClinGen allele CA4770374.

ClinVar aggregate classification (germline): Uncertain significance. Review status: criteria provided, multiple submitters, no conflicts (2 of 4 stars). 2 submissions from 2 submitters: Uncertain significance (2). Last evaluated 2025-04-06.

Conditions:
Inborn genetic diseases. Identifiers: MedGen C0950123, MeSH D030342.
Joubert syndrome 21 (JBTS21). Identifiers: MedGen C3810212, MONDO:0014288, OMIM 615636.

Allele frequency attached by ClinVar (database versions not stated): TOPMed 0.00002; ExAC 0.00001; gnomAD exomes 0.00001; gnomAD 0.00002.

Submissions (2):

Ambry Genetics
Classification: Uncertain significance for Inborn genetic diseases. Last evaluated: 2025-04-06. Review status: criteria provided, single submitter. Criteria: Ambry Variant Classification Scheme 2023. Collection method: clinical testing. Allele origin: germline.

Labcorp Genetics (formerly Invitae), Labcorp
Classification: Uncertain significance for Joubert syndrome 21. Last evaluated: 2022-06-09. Review status: criteria provided, single submitter. Criteria: Invitae Variant Classification Sherloc (09022015). Collection method: clinical testing. Allele origin: germline.
Comment: This sequence change replaces arginine, which is basic and polar, with serine, which is neutral and polar, at codon 300 of the CSPP1 protein (p.Arg300Ser). This variant is present in population databases (rs776541152, gnomAD 0.0009%). This variant has not been reported in the literature in individuals affected with CSPP1-related conditions. Algorithms developed to predict the effect of missense changes on protein structure and function are either unavailable or do not agree on the potential impact of this missense change (SIFT: "Tolerated"; PolyPhen-2: "Possibly Damaging"; Align-GVGD: "Class C0"). In summary, the available evidence is currently insufficient to determine the role of this variant in disease. Therefore, it has been classified as a Variant of Uncertain Significance.